The following is an entry in ClinVar:

ClinVar aggregate classification (germline): Uncertain significance (1 of 4 stars; one submission).

Conditions:
GM3 synthase deficiency (SPDRS). Also called: SALT AND PEPPER DEVELOPMENTAL REGRESSION SYNDROME; AMISH INFANTILE EPILEPSY SYNDROME; SALT AND PEPPER MENTAL RETARDATION SYNDROME. Identifiers: Orphanet 171714, Orphanet 370933, MedGen C1836824, MONDO:0018274, OMIM 609056.

Submission:

Labcorp Genetics (formerly Invitae), Labcorp
Classification: Uncertain significance for GM3 synthase deficiency. Last evaluated: 2022-05-29. Review status: criteria provided, single submitter. Criteria: Invitae Variant Classification Sherloc (09022015). Collection method: clinical testing. Allele origin: germline.
Comment: In summary, the available evidence is currently insufficient to determine the role of this variant in disease. Therefore, it has been classified as a Variant of Uncertain Significance. Algorithms developed to predict the effect of missense changes on protein structure and function are either unavailable or do not agree on the potential impact of this missense change (SIFT: "Deleterious"; PolyPhen-2: "Benign"; Align-GVGD: "Class C0"). ClinVar contains an entry for this variant (Variation ID: 962667). This variant has not been reported in the literature in individuals affected with ST3GAL5-related conditions. This variant is not present in population databases (gnomAD no frequency). This sequence change replaces arginine, which is basic and polar, with cysteine, which is neutral and slightly polar, at codon 12 of the ST3GAL5 protein (p.Arg12Cys).

NM_003896.4(ST3GAL5):c.34C>T (p.Arg12Cys)

Genes: ST3GAL5 (ST3 beta-galactoside alpha-2,3-sialyltransferase 5; minus strand), LOC129934236 (ATAC-STARR-seq lymphoblastoid silent region 11709; plus strand). Cytogenetic location: 2p11.2.
Variant type: single nucleotide variant.
Coding change: c.34C>T on transcript NM_003896.4 (MANE Select); coding-DNA position 34, C replaced by T.
Protein change: p.Arg12Cys; replaces arginine 12 with cysteine.
Molecular consequence: missense variant. On other transcripts: 5 prime UTR variant (6).
Genome position (GRCh38, 1-based): chr2:85,888,872, G>A on the plus strand (C>T on the coding strand, the complement: ST3GAL5 is on the minus strand). VCF-style: chr2-85888872-G-A. GRCh37 (hg19) VCF-style: chr2-86115995-G-A.
Other names: c.-929C>T (NM_001354223.2); c.-591C>T (NM_001354224.2); c.-528C>T (NM_001354226.2); c.-238C>T (NM_001354227.2); c.-182C>T (NM_001354229.2); c.-968C>T (NM_001354233.2); c.34C>T, p.Arg12Cys (NM_001363847.1); short protein forms R12C.
Identifiers: ClinVar variation 962667 (VCV000962667.10), dbSNP rs1688072283, ClinGen allele CA347536149.